The following is an entry in ClinVar:

NM_001792.5(CDH2):c.746A>T (p.Asn249Ile)

Gene: CDH2 (cadherin 2; minus strand). Cytogenetic location: 18q12.1.
Variant type: single nucleotide variant.
Coding change: c.746A>T on transcript NM_001792.5 (MANE Select); coding-DNA position 746, A replaced by T.
Protein change: p.Asn249Ile; replaces asparagine 249 with isoleucine.
Molecular consequence: missense variant.
Genome position (GRCh38, 1-based): chr18:28,005,950, T>A on the plus strand (A>T on the coding strand, the complement: CDH2 is on the minus strand). VCF-style: chr18-28005950-T-A. GRCh37 (hg19) VCF-style: chr18-25585914-T-A.
Other names: c.653A>T, p.Asn218Ile (NM_001308176.2); short protein forms N218I, N249I.
Identifiers: ClinVar variation 2579778 (VCV002579778.1), dbSNP rs2510810979, ClinGen allele CA402243276.

ClinVar aggregate classification (germline): Uncertain significance (1 of 4 stars; one submission).

Submission:

GeneDx
Classification: Uncertain significance. Last evaluated: 2023-03-10. Review status: criteria provided, single submitter. Criteria: GeneDx Variant Classification Process June 2021. Collection method: clinical testing. Allele origin: germline. Affected: yes.
Comment: Not observed at significant frequency in large population cohorts (gnomAD); In silico analysis supports that this missense variant has a deleterious effect on protein structure/function; Has not been previously published as pathogenic or benign to our knowledge